The following is an entry in ClinVar:

ClinVar aggregate classification (germline): Pathogenic (1 of 4 stars; one submission).

Conditions:
Fanconi anemia (FA). Also called: Fanconi's anemia. Identifiers: Orphanet 84, MedGen C0015625, MeSH D005199, MONDO:0019391.

Submission:

Labcorp Genetics (formerly Invitae), Labcorp
Classification: Pathogenic for Fanconi anemia. Last evaluated: 2022-10-31. Review status: criteria provided, single submitter. Criteria: Invitae Variant Classification Sherloc (09022015). Collection method: clinical testing. Allele origin: germline.
Comment: For these reasons, this variant has been classified as Pathogenic. This variant has not been reported in the literature in individuals affected with FANCA-related conditions. This variant is a gross deletion of the genomic region encompassing exon(s) 1-23 of the FANCA gene, which includes the initiator codon. This deletion extends beyond the assayed region for this gene and therefore may encompass additional genes. It is expected to result in an absent or disrupted protein product. Loss-of-function variants in FANCA are known to be pathogenic (PMID: 19367192).

Literature cited by the submitters: PubMed 19367192.

NC_000016.9:g.(?_89838076)_(89883033_?)del

Gene: FANCA (FA complementation group A; minus strand). Cytogenetic location: 16q24.3.
Variant type: Deletion.
Identifiers: ClinVar variation 1454550 (VCV001454550.5).